The following is an entry in ClinVar:

NM_024675.4(PALB2):c.3351-5A>C

Gene: PALB2 (partner and localizer of BRCA2; minus strand). Cytogenetic location: 16p12.2.
Variant type: single nucleotide variant.
Coding change: c.3351-5A>C on transcript NM_024675.4 (MANE Select); 5 bases into the intron before coding-DNA position 3351, A replaced by C.
Molecular consequence: intron variant.
Genome position (GRCh38, 1-based): chr16:23,603,674, T>G on the plus strand (A>C on the coding strand, the complement: PALB2 is on the minus strand). VCF-style: chr16-23603674-T-G. GRCh37 (hg19) VCF-style: chr16-23614995-T-G.
Identifiers: ClinVar variation 186020 (VCV000186020.17), dbSNP rs749386551, ClinGen allele CA193643.

ClinVar aggregate classification (germline): Likely benign. Review status: criteria provided, multiple submitters, no conflicts (2 of 4 stars). 3 submissions from 3 submitters: Likely benign (3). Last evaluated 2025-05-04.

Conditions:
Hereditary cancer-predisposing syndrome. Also called: Hereditary neoplastic syndrome; Neoplastic Syndromes, Hereditary; Tumor predisposition; Hereditary Cancer Syndrome. Identifiers: Orphanet 140162, MedGen C0027672, MeSH D009386, MONDO:0015356.
Familial cancer of breast. Also called: BREAST CANCER, FAMILIAL; Hereditary breast cancer; hereditary breast carcinoma. Identifiers: Orphanet 227535, MedGen C0346153, MONDO:0016419, OMIM 114480. Disease mechanism: loss of function.

Submissions (3):

Labcorp Genetics (formerly Invitae), Labcorp
Classification: Likely benign for Familial cancer of breast. Last evaluated: 2025-05-04. Review status: criteria provided, single submitter. Criteria: Invitae Variant Classification Sherloc (09022015). Collection method: clinical testing. Allele origin: germline.

Myriad Genetics, Inc.
Classification: Likely benign for Familial cancer of breast. Last evaluated: 2025-01-22. Review status: criteria provided, single submitter. Criteria: Myriad Autosomal Dominant, Autosomal Recessive and X-Linked Classification Criteria (2023). Collection method: clinical testing. Allele origin: unknown.
Comment: This variant is considered likely benign. This variant is intronic and is not expected to impact mRNA splicing.

Ambry Genetics
Classification: Likely benign for Hereditary cancer-predisposing syndrome. Last evaluated: 2014-08-21. Review status: criteria provided, single submitter. Criteria: Ambry Variant Classification Scheme 2023. Collection method: clinical testing. Allele origin: germline.